The following is an entry in ClinVar:

NM_000478.6(ALPL):c.1190-3C>T

Gene: ALPL (alkaline phosphatase, biomineralization associated; plus strand). Cytogenetic location: 1p36.12.
Variant type: single nucleotide variant.
Coding change: c.1190-3C>T on transcript NM_000478.6 (MANE Select); 3 bases into the intron before coding-DNA position 1190, C replaced by T.
Molecular consequence: intron variant.
Genome position (GRCh38, 1-based): chr1:21,576,519, C>T. VCF-style: chr1-21576519-C-T. GRCh37 (hg19) VCF-style: chr1-21903012-C-T.
Other names: c.1190-3C>T (NM_001369805.2, NM_001369804.2, NM_001369803.2); c.1025-3C>T (NM_001127501.4); c.959-3C>T (NM_001177520.3).
Identifiers: ClinVar variation 2791674 (VCV002791674.3), dbSNP rs2545346942, ClinGen allele CA2574253201.

ClinVar aggregate classification (germline): Uncertain significance (1 of 4 stars; one submission).

Allele frequency attached by ClinVar (database versions not stated): gnomAD exomes below 0.00001.
gnomAD v4.1: 5 of 1,613,718 alleles (0.00031%); highest among the groups gnomAD compares: South Asian, 0.0011%; no homozygotes.

Submission:

Labcorp Genetics (formerly Invitae), Labcorp
Classification: Uncertain significance. Last evaluated: 2023-06-15. Review status: criteria provided, single submitter. Criteria: Invitae Variant Classification Sherloc (09022015). Collection method: clinical testing. Allele origin: germline.
Comment: In summary, the available evidence is currently insufficient to determine the role of this variant in disease. Therefore, it has been classified as a Variant of Uncertain Significance. Variants that disrupt the consensus splice site are a relatively common cause of aberrant splicing (PMID: 17576681, 9536098). Algorithms developed to predict the effect of sequence changes on RNA splicing suggest that this variant is not likely to affect RNA splicing. This variant has not been reported in the literature in individuals affected with ALPL-related conditions. This variant is not present in population databases (gnomAD no frequency). This sequence change falls in intron 10 of the ALPL gene. It does not directly change the encoded amino acid sequence of the ALPL protein. It affects a nucleotide within the consensus splice site.

Literature cited by the submitters: PubMed 17576681; PubMed 9536098.